The following is an entry in ClinVar:

ClinVar aggregate classification (germline): Uncertain significance (1 of 4 stars; one submission).

Submission:

Ambry Genetics
Classification: Uncertain significance. Last evaluated: 2025-03-30. Review status: criteria provided, single submitter. Criteria: Ambry Variant Classification Scheme 2023. Collection method: clinical testing. Allele origin: germline.
Comment: The p.T25P variant (also known as c.73A>C), located in coding exon 1 of the FAM175A gene, results from an A to C substitution at nucleotide position 73. The threonine at codon 25 is replaced by proline, an amino acid with highly similar properties. This amino acid position is conserved. In addition, this alteration is predicted to be tolerated by in silico analysis. Based on the available evidence, the clinical significance of this variant remains unclear.

NM_139076.3(ABRAXAS1):c.73A>C (p.Thr25Pro)

Genes: ABRAXAS1 (abraxas 1, BRCA1 A complex subunit; minus strand), LOC129992784 (ATAC-STARR-seq lymphoblastoid silent region 15542; plus strand). Cytogenetic location: 4q21.23.
Variant type: single nucleotide variant.
Coding change: c.73A>C on transcript NM_139076.3 (MANE Select); coding-DNA position 73, A replaced by C.
Protein change: p.Thr25Pro; replaces threonine 25 with proline.
Molecular consequence: missense variant. On other transcripts: 5 prime UTR variant (1).
Genome position (GRCh38, 1-based): chr4:83,485,000, T>G on the plus strand (A>C on the coding strand, the complement: ABRAXAS1 is on the minus strand). VCF-style: chr4-83485000-T-G. GRCh37 (hg19) VCF-style: chr4-84406153-T-G.
Other names: c.-188A>C (NM_001345962.2); short protein forms T25P.
Identifiers: ClinVar variation 3994534 (VCV003994534.1).